The following is an entry in ClinVar:

NM_000152.5(GAA):c.2041-1G>A

Gene: GAA (alpha glucosidase; plus strand). Cytogenetic location: 17q25.3.
Variant type: single nucleotide variant.
Coding change: c.2041-1G>A on transcript NM_000152.5 (MANE Select); the canonical splice acceptor site of the intron before coding-DNA position 2041, G replaced by A.
Molecular consequence: splice acceptor variant.
Genome position (GRCh38, 1-based): chr17:80,113,217, G>A. VCF-style: chr17-80113217-G-A. GRCh37 (hg19) VCF-style: chr17-78087016-G-A.
Other names: NC_000017.10:g.78087016G>A; c.2041-1G>A (NM_001406741.1, NM_001406742.1, NM_001079803.3 and 1 more transcripts).
Identifiers: ClinVar variation 972797 (VCV000972797.6), dbSNP rs760731229, ClinGen allele CA8815596.

ClinVar aggregate classification (germline): Pathogenic/Likely pathogenic. Review status: criteria provided, multiple submitters, no conflicts (2 of 4 stars). 3 submissions from 3 submitters: Pathogenic (2); Likely pathogenic (1). Last evaluated 2026-07-01.

Conditions:
Glycogen storage disease, type II (IOPD). Also called: CARDIOMEGALIA GLYCOGENICA DIFFUSA; Glycogen storage disease type 2; Acid maltase deficiency disease; Aglucosidase alfa; Deficiency of alpha-glucosidase; Deficiency of lysosomal alpha-glucosidase. Identifiers: Orphanet 365, MedGen C0017921, MONDO:0009290, OMIM 232300.

Allele frequency attached by ClinVar (database versions not stated): gnomAD exomes below 0.00001; ExAC 0.00002.

Submissions (4):

Genomenon, Inc
Classification: Pathogenic for Glycogen storage disease, type II. Last evaluated: 2026-07-01. Review status: criteria provided, single submitter. Criteria: Genomenon Sequence Variant Interpretation Standards - Updated. Collection method: curation. Allele origin: germline. Affected: yes.
Comment: GAA c.2041-1G>A is a canonical splice variant affecting the acceptor splice site of intron 14. It is predicted to affect mRNA splicing, leading to a deleterious effect on the GAA protein. This variant has been observed in at least one proband with a GAA-related disorder (PMID:21484825;21550241). It is absent or not present at a significant frequency in gnomAD. In conclusion, we classify GAA c.2041-1G>A as a pathogenic variant.

Baylor Genetics
Classification: Pathogenic for Glycogen storage disease, type II. Last evaluated: 2024-01-30. Review status: criteria provided, single submitter. Criteria: ACMG Guidelines, 2015. Collection method: clinical testing. Allele origin: unknown.

Broad Center for Mendelian Genomics, Broad Institute of MIT and Harvard
Classification: Likely pathogenic for Glycogen storage disease, type II. Last evaluated: 2020-01-14. Review status: criteria provided, single submitter. Criteria: ACMG Guidelines, 2015. Collection method: curation. Allele origin: germline. Inheritance: Autosomal recessive inheritance.
Comment: The c.2041-1G>A variant in GAA has been reported in four individuals with glycogen storage disease II (PMID: 28648663, 21803581, 21550241, 18425781) and has been identified in 0.001% (1/98816) of European (non-Finnish) chromosomes by the by the Genome Aggregation Database (gnomAD; dbSNP rs760731229). Although this variant has been seen in the general population, its frequency is low enough to be consistent with a recessive carrier frequency. This variant occurs in the invariant region (+/- 1/2) of the splice consensus sequence and is predicted to cause altered splicing leading to an abnormal or absent protein. There is an in-frame cryptic splice site 6 bases from the intron-exon boundary, providing evidence that this variant may delete 2 amino acids instead of causing loss of function. However, this information is not predictive enough to determine pathogenicity. Loss of function of the GAA gene is an established disease mechanism in autosomal recessive glycogen storage disease. The phenotype of an individual that is compound heterozygous for this variant is highly specific for glycogen storage disease based on GAA enzyme activity in fibroblasts being <10% of wild type, consistent with disease (PMID:21550241). The presence of this variant in combination with reported the pathogenic variant c.-32-13T>G (VariationID: 4027; PMID: 21550241) and in individuals with glycogen storage disease II slightly increases the likelihood that the c.2041-1G>A variant is pathogenic. In summary, although additional studies are required to fully establish its clinical significance, this variant is likely pathogenic. ACMG/AMP Criteria applied: PVS1_moderate, PM3_supporting, PM2, PP4 (Richards 2015).

Dr. Peter K. Rogan Lab, Western University
No classification provided (evidence only). Condition: Familial cancer of breast. Review status: no classification provided. Collection method: in vitro. Allele origin: not applicable. Functional consequence: retained intron. Not counted in ClinVar's aggregate classification.

Literature cited by the submitters: PubMed 21484825 (cited by Genomenon, Inc and Broad Center for Mendelian Genomics, Broad Institute of MIT and Harvard); PubMed 21550241 (cited by Genomenon, Inc and Broad Center for Mendelian Genomics, Broad Institute of MIT and Harvard); PubMed 28648663 (cited by Broad Center for Mendelian Genomics, Broad Institute of MIT and Harvard); PubMed 21803581 (cited by Broad Center for Mendelian Genomics, Broad Institute of MIT and Harvard).